The following is an entry in ClinVar:

NM_001375567.1(FOCAD):c.5167A>C (p.Arg1723=)

Gene: FOCAD (focadhesin; plus strand). Cytogenetic location: 9p21.3.
Variant type: single nucleotide variant.
Coding change: c.5167A>C on transcript NM_001375567.1 (MANE Select); coding-DNA position 5167, A replaced by C.
Protein change: p.Arg1723=; no amino-acid change (arginine 1723 retained).
Molecular consequence: synonymous variant.
Genome position (GRCh38, 1-based): chr9:20,990,285, A>C. VCF-style: chr9-20990285-A-C. GRCh37 (hg19) VCF-style: chr9-20990284-A-C.
Other names: c.5062A>C, p.Arg1688= (NM_001375568.1, NM_001375570.1); c.5167A>C, p.Arg1723= (NM_017794.5).
Identifiers: ClinVar variation 707847 (VCV000707847.7), dbSNP rs143148454, ClinGen allele CA5008219.
Genomic context (GRCh38, chr9:20,990,285, plus strand): 5'-CATCAGGAGAATGGCCCGGCTGGGCCAGTACCAAGCTTCCTTGGCAGGAGTCCAATGCAC[A>C]GGGTCACTCTGCAGGAGGTTCTCACTCTCCTTCCCAATAGCATGGCTCTGCTGCTGCAGA-3'
Protein context (NP_001362496.1, residues 1713-1733): PSFLGRSPMH[Arg1723=]VTLQEVLTLL

ClinVar aggregate classification (germline): Likely benign. Review status: criteria provided, single submitter (1 of 4 stars). 2 submissions from 2 submitters: Likely benign (1). 1 of the submissions does not count toward it. Last evaluated 2025-08-11.

Conditions:
FOCAD-related disorder. Also called: FOCAD-related condition.

Allele frequency attached by ClinVar (database versions not stated): gnomAD exomes 0.00007 and 0.00017; ExAC 0.00021; 1000 Genomes Project 30x 0.00031; 1000 Genomes Project 0.00040; gnomAD 0.00066 and 0.00076; ESP Exome Variant Server 0.00077; TOPMed 0.00087.
gnomAD v4.1: 207 of 1,614,146 alleles (0.013%); highest among the groups gnomAD compares: African/African-American, 0.24%; 1 homozygote.

Submissions (2):

Labcorp Genetics (formerly Invitae), Labcorp
Classification: Likely benign. Last evaluated: 2025-08-11. Review status: criteria provided, single submitter. Criteria: Invitae Variant Classification Sherloc (09022015). Collection method: clinical testing. Allele origin: germline.

PreventionGenetics, part of Exact Sciences
Classification: Likely benign for FOCAD-related condition. Last evaluated: 2022-05-06. Review status: no assertion criteria provided. Collection method: clinical testing. Allele origin: germline. Not counted in ClinVar's aggregate classification.
Comment: This variant is classified as likely benign based on ACMG/AMP sequence variant interpretation guidelines (Richards et al. 2015 PMID: 25741868, with internal and published modifications).